The following is an entry in ClinVar:

ClinVar aggregate classification (germline): Likely benign (1 of 4 stars; one submission).

Allele frequency attached by ClinVar (database versions not stated): TOPMed 0.00007; ESP Exome Variant Server 0.00009; gnomAD 0.00015; gnomAD exomes 0.00017; ExAC 0.00028.
gnomAD v4.1: 211 of 1,209,311 alleles (0.017%); highest among the groups gnomAD compares: Non-Finnish European, 0.018%; no homozygotes.

Submission:

CeGaT Center for Human Genetics Tuebingen
Classification: Likely benign. Last evaluated: 2023-02-01. Review status: criteria provided, single submitter. Criteria: CeGaT Center For Human Genetics Tuebingen Variant Classification Criteria Version 2. Collection method: clinical testing. Allele origin: germline. Affected: yes. Observed: 1 variant allele.
Comment: FAAH2: BS2

NM_174912.4(FAAH2):c.1520T>G (p.Phe507Cys)

Gene: FAAH2 (fatty acid amide hydrolase 2; plus strand). Cytogenetic location: Xp11.21.
Variant type: single nucleotide variant.
Coding change: c.1520T>G on transcript NM_174912.4 (MANE Select); coding-DNA position 1520, T replaced by G.
Protein change: p.Phe507Cys; replaces phenylalanine 507 with cysteine.
Molecular consequence: missense variant. On other transcripts: non-coding transcript variant (2).
Genome position (GRCh38, 1-based): chrX:57,488,853, T>G. VCF-style: chrX-57488853-T-G. GRCh37 (hg19) VCF-style: chrX-57515286-T-G.
Other names: c.1400T>G, p.Phe467Cys (NM_001353840.1); c.1310T>G, p.Phe437Cys (NM_001353841.1); short protein forms F437C, F467C, F507C.
Identifiers: ClinVar variation 2660721 (VCV002660721.24), dbSNP rs377395090, ClinGen allele CA10430961.